The following is an entry in ClinVar:

ClinVar aggregate classification (germline): Likely benign. Review status: criteria provided, multiple submitters, no conflicts (2 of 4 stars). 2 submissions from 2 submitters: Likely benign (2). Last evaluated 2026-09-08.

Conditions:
NEFH-related disorder. Also called: NEFH-related condition.

Allele frequency attached by ClinVar (database versions not stated): gnomAD exomes 0.00002; gnomAD 0.00003; TOPMed 0.00004.
gnomAD v4.1: 36 of 1,544,376 alleles (0.0023%); highest among the groups gnomAD compares: Non-Finnish European, 0.0029%; no homozygotes.

Submissions (2):

PreventionGenetics, part of Exact Sciences
Classification: Likely benign for NEFH-related condition. Last evaluated: 2026-09-08. Review status: criteria provided, single submitter. Criteria: ACMG Guidelines, 2015. Collection method: clinical testing. Allele origin: germline.
Comment: This variant is classified as likely benign based on ACMG/AMP sequence variant interpretation guidelines (Richards et al. 2015 PMID: 25741868, with internal and published modifications).

Labcorp Genetics (formerly Invitae), Labcorp
Classification: Likely benign. Last evaluated: 2024-08-14. Review status: criteria provided, single submitter. Criteria: Invitae Variant Classification Sherloc (09022015). Collection method: clinical testing. Allele origin: germline.

NM_021076.4(NEFH):c.417C>G (p.Arg139=)

Gene: NEFH (neurofilament heavy chain; plus strand). Cytogenetic location: 22q12.2.
Variant type: single nucleotide variant.
Coding change: c.417C>G on transcript NM_021076.4 (MANE Select); coding-DNA position 417, C replaced by G.
Protein change: p.Arg139=; no amino-acid change (arginine 139 retained).
Molecular consequence: synonymous variant.
Genome position (GRCh38, 1-based): chr22:29,480,679, C>G. VCF-style: chr22-29480679-C-G. GRCh37 (hg19) VCF-style: chr22-29876668-C-G.
Other names: c.417C>G (NM_021076.3).
Identifiers: ClinVar variation 2420628 (VCV002420628.8), dbSNP rs912176188, ClinGen allele CA323082957.
Genomic context (GRCh38, chr22:29,480,679, plus strand): 5'-GGCGCACAACCGCAGCCTGGAGGGCGAGGCTGCGGCGCTGCGGCAGCAGCAGGCGGGCCG[C>G]TCCGCTATGGGCGAGCTGTACGAGCGCGAGGTCCGCGAGATGCGCGGCGCGGTGCTGCGC-3'
Protein context (NP_066554.2, residues 129-149): AAALRQQQAG[Arg139=]SAMGELYERE